The following is an entry in ClinVar:

ClinVar aggregate classification (germline): Likely benign (0 of 4 stars; one submission).

Conditions:
MRPS2-related disorder. Also called: MRPS2-related condition.

Allele frequency attached by ClinVar (database versions not stated): gnomAD 0.00002; gnomAD exomes 0.00005; TOPMed 0.00008; ExAC 0.00026.
gnomAD v4.1: 81 of 1,613,404 alleles (0.005%); highest among the groups gnomAD compares: Admixed American, 0.098%; no homozygotes.

Submission:

PreventionGenetics, part of Exact Sciences
Classification: Likely benign for MRPS2-related condition. Last evaluated: 2023-12-19. Review status: no assertion criteria provided. Collection method: clinical testing. Allele origin: germline.
Comment: This variant is classified as likely benign based on ACMG/AMP sequence variant interpretation guidelines (Richards et al. 2015 PMID: 25741868, with internal and published modifications).

NM_016034.5(MRPS2):c.329G>A (p.Arg110His)

Genes: MRPS2 (mitochondrial ribosomal protein S2; plus strand), LOC101928525 (uncharacterized LOC101928525; minus strand). Cytogenetic location: 9q34.3.
Variant type: single nucleotide variant.
Coding change: c.329G>A on transcript NM_016034.5 (MANE Select); coding-DNA position 329, G replaced by A.
Protein change: p.Arg110His; replaces arginine 110 with histidine.
Molecular consequence: missense variant. On other transcripts: non-coding transcript variant (5).
Genome position (GRCh38, 1-based): chr9:135,503,571, G>A. VCF-style: chr9-135503571-G-A. GRCh37 (hg19) VCF-style: chr9-138395417-G-A.
Other names: c.329G>A, p.Arg110His (NM_001371401.1); short protein forms R110H.
Identifiers: ClinVar variation 3036546 (VCV003036546.2), dbSNP rs767971399, ClinGen allele CA5323908.